The following is an entry in ClinVar:

NM_000260.4(MYO7A):c.4079A>G (p.Asp1360Gly)

Gene: MYO7A (myosin VIIA; plus strand). Cytogenetic location: 11q13.5.
Variant type: single nucleotide variant.
Coding change: c.4079A>G on transcript NM_000260.4 (MANE Select); coding-DNA position 4079, A replaced by G.
Protein change: p.Asp1360Gly; replaces aspartic acid 1360 with glycine.
Molecular consequence: missense variant.
Genome position (GRCh38, 1-based): chr11:77,192,205, A>G. VCF-style: chr11-77192205-A-G. GRCh37 (hg19) VCF-style: chr11-76903250-A-G.
Other names: c.4079A>G, p.Asp1360Gly (NM_001127180.2); c.4046A>G, p.Asp1349Gly (NM_001369365.1); short protein forms D1349G, D1360G.
Identifiers: ClinVar variation 3250704 (VCV003250704.18), dbSNP rs2497412663.

ClinVar aggregate classification (germline): Uncertain significance (1 of 4 stars; one submission).

Submission:

CeGaT Center for Human Genetics Tuebingen
Classification: Uncertain significance. Last evaluated: 2024-06-01. Review status: criteria provided, single submitter. Criteria: CeGaT Center For Human Genetics Tuebingen Variant Classification Criteria Version 2. Collection method: clinical testing. Allele origin: germline. Affected: yes. Observed: 1 variant allele.
Comment: MYO7A: PM2